The following is an entry in ClinVar:

NM_138713.4(NFAT5):c.1193T>G (p.Leu398Arg)

Gene: NFAT5 (nuclear factor of activated T cells 5; plus strand). Cytogenetic location: 16q22.1.
Variant type: single nucleotide variant.
Coding change: c.1193T>G on transcript NM_138713.4 (MANE Select); coding-DNA position 1193, T replaced by G.
Protein change: p.Leu398Arg; replaces leucine 398 with arginine.
Molecular consequence: missense variant.
Genome position (GRCh38, 1-based): chr16:69,655,796, T>G. VCF-style: chr16-69655796-T-G. GRCh37 (hg19) VCF-style: chr16-69689699-T-G.
Other names: c.1193T>G, p.Leu398Arg (NM_001113178.3); c.521T>G, p.Leu174Arg (NM_001367709.1); c.1139T>G, p.Leu380Arg (NM_006599.4); c.911T>G, p.Leu304Arg (NM_138714.4, NM_173214.3, NM_173215.3); c.1193T>G (NM_138713.3); short protein forms L174R, L304R, L398R, L380R.
Identifiers: ClinVar variation 856466 (VCV000856466.10), dbSNP rs1315353608, ClinGen allele CA396491950.
Genomic context (GRCh38, chr16:69,655,796, plus strand): 5'-TGGACATTGAAGGCACTACTGTTATAGAAGTCGGCCTTGATCCTAGCAACAACATGACAC[T>G]GGCGTAAGTACTTAGTAAGAATTTTTCATTATACATTACACTCTTGTGTTAGGCAGAATT-3'
Protein context (NP_619727.2, residues 388-408): VGLDPSNNMT[Leu398Arg]AVDCVGILKL

ClinVar aggregate classification (germline): Uncertain significance. Review status: criteria provided, multiple submitters, no conflicts (2 of 4 stars). 2 submissions from 2 submitters: Uncertain significance (2). Last evaluated 2025-06-03.

Conditions:
Immunodeficiency. Identifiers: MedGen C0021051, MONDO:0021094, HP:0002721.

Allele frequency attached by ClinVar (database versions not stated): gnomAD exomes 0.00001; gnomAD 0.00003 and 0.00004; TOPMed 0.00003.
gnomAD v4.1: 13 of 1,610,908 alleles (0.00081%); highest among the groups gnomAD compares: African/African-American, 0.004%; no homozygotes.

Submissions (2):

Ambry Genetics
Classification: Uncertain significance. Last evaluated: 2025-06-03. Review status: criteria provided, single submitter. Criteria: Ambry Variant Classification Scheme 2023. Collection method: clinical testing. Allele origin: germline.

Labcorp Genetics (formerly Invitae), Labcorp
Classification: Uncertain significance for Immunodeficiency. Last evaluated: 2022-09-27. Review status: criteria provided, single submitter. Criteria: Invitae Variant Classification Sherloc (09022015). Collection method: clinical testing. Allele origin: germline.
Comment: In summary, the available evidence is currently insufficient to determine the role of this variant in disease. Therefore, it has been classified as a Variant of Uncertain Significance. Algorithms developed to predict the effect of sequence changes on RNA splicing suggest that this variant may create or strengthen a splice site. Algorithms developed to predict the effect of missense changes on protein structure and function (SIFT, PolyPhen-2, Align-GVGD) all suggest that this variant is likely to be disruptive. ClinVar contains an entry for this variant (Variation ID: 856466). This variant has not been reported in the literature in individuals affected with NFAT5-related conditions. This variant is present in population databases (no rsID available, gnomAD 0.01%). This sequence change replaces leucine, which is neutral and non-polar, with arginine, which is basic and polar, at codon 304 of the NFAT5 protein (p.Leu304Arg).